The following is an entry in ClinVar:

ClinVar aggregate classification (germline): Conflicting classifications of pathogenicity. Review status: criteria provided, conflicting classifications (1 of 4 stars). 12 submissions from 12 submitters: Uncertain significance (7); Likely benign (4). 1 of the submissions does not count toward it. Last evaluated 2026-09-23.

Conditions:
CDH1-related diffuse gastric and lobular breast cancer syndrome. Also called: CDH1-related diffuse gastric and lobular breast cancer. Identifiers: MedGen CN311521, MONDO:0100488.
CDH1-related disorder. Also called: CDH1-related condition.
Hereditary cancer-predisposing syndrome. Also called: Neoplastic Syndromes, Hereditary; Hereditary neoplastic syndrome; Hereditary Cancer Syndrome; Tumor predisposition. Identifiers: Orphanet 140162, MedGen C0027672, MeSH D009386, MONDO:0015356.
Hereditary diffuse gastric adenocarcinoma (HDGC). Also called: DIFFUSE GASTRIC AND LOBULAR BREAST CANCER SYNDROME. Identifiers: Orphanet 26106, MedGen C1708349, MONDO:0007648, OMIM 137215.
Familial cancer of breast. Also called: BREAST CANCER, FAMILIAL; Hereditary breast cancer; hereditary breast carcinoma. Identifiers: Orphanet 227535, MedGen C0346153, MONDO:0016419, OMIM 114480. Disease mechanism: loss of function.

Submissions (12):

PreventionGenetics, part of Exact Sciences
Classification: Likely benign for CDH1-related condition. Last evaluated: 2026-09-23. Review status: criteria provided, single submitter. Criteria: ACMG Guidelines, 2015. Collection method: clinical testing. Allele origin: germline.
Comment: This variant is classified as likely benign based on ACMG/AMP sequence variant interpretation guidelines (Richards et al. 2015 PMID: 25741868, with internal and published modifications).

Labcorp Genetics (formerly Invitae), Labcorp
Classification: Likely benign for Hereditary diffuse gastric adenocarcinoma. Last evaluated: 2025-11-10. Review status: criteria provided, single submitter. Criteria: Invitae Variant Classification Sherloc (09022015). Collection method: clinical testing. Allele origin: germline.

Laboratorio de I+D, Fundación Centro Médico de Asturias
Classification: Uncertain significance for Hereditary cancer-predisposing syndrome. Last evaluated: 2025-07-08. Review status: criteria provided, single submitter. Criteria: ACMG Guidelines, 2015. Collection method: clinical testing. Allele origin: germline.
Comment: PM1+PM4+PM2_Supporting

Quest Diagnostics Nichols Institute San Juan Capistrano
Classification: Uncertain significance. Last evaluated: 2025-02-07. Review status: criteria provided, single submitter. Criteria: Quest Diagnostics criteria. Collection method: clinical testing. Allele origin: unknown.
Comment: The CDH1 c.2282_2284del (p.Gly761del) variant has not been reported in individuals with CDH1-related conditions in the published literature. It also has not been reported in large, multi-ethnic general populations (Genome Aggregation Database). Based on the available information, we are unable to determine the clinical significance of this variant.

Women's Health and Genetics/Laboratory Corporation of America, LabCorp
Classification: Uncertain significance. Last evaluated: 2025-01-28. Review status: criteria provided, single submitter. Criteria: LabCorp Variant Classification Summary - May 2015. Collection method: clinical testing. Allele origin: germline.
Comment: Variant summary: CDH1 c.2282_2284delGAG (p.Gly761del) results in an in-frame deletion that is predicted to remove 1 amino acid from the encoded protein. The variant was absent in 251468 control chromosomes. The available data on variant occurrences in the general population are insufficient to allow any conclusion about variant significance. To our knowledge, no occurrence of c.2282_2284delGAG in individuals affected with CDH1-related conditions and no experimental evidence demonstrating its impact on protein function have been reported. ClinVar contains an entry for this variant (Variation ID: 239892). Based on the evidence outlined above, the variant was classified as uncertain significance.

Ambry Genetics
Classification: Likely benign for Hereditary cancer-predisposing syndrome. Last evaluated: 2024-09-10. Review status: criteria provided, single submitter. Criteria: Ambry Variant Classification Scheme 2023. Collection method: clinical testing. Allele origin: germline.

Color Diagnostics, LLC DBA Color Health
Classification: Uncertain significance for Hereditary cancer-predisposing syndrome. Last evaluated: 2024-06-13. Review status: criteria provided, single submitter. Criteria: ACMG Guidelines, 2015. Collection method: clinical testing. Allele origin: germline.
Comment: This variant causes a deletion of glycine at codon 761 of the CDH1 protein. To our knowledge, functional studies have not been reported for this variant. This variant has not been reported in individuals affected with CDH1-related disorders in the literature. This variant has not been identified in the general population by the Genome Aggregation Database (gnomAD). The available evidence is insufficient to determine the role of this variant in disease conclusively. Therefore, this variant is classified as a Variant of Uncertain Significance.

Baylor Genetics
Classification: Uncertain significance for Familial cancer of breast. Last evaluated: 2024-02-19. Review status: criteria provided, single submitter. Criteria: ACMG Guidelines, 2015. Collection method: clinical testing. Allele origin: unknown.

GeneDx
Classification: Uncertain significance. Last evaluated: 2023-10-19. Review status: criteria provided, single submitter. Criteria: GeneDx Variant Classification Process June 2021. Collection method: clinical testing. Allele origin: germline. Affected: yes.
Comment: Not observed at significant frequency in large population cohorts (gnomAD); In-frame deletion of 1 amino acid in a non-repeat region; In silico analysis supports a deleterious effect on protein structure/function; Has not been previously published as pathogenic or benign to our knowledge; This variant is associated with the following publications: (PMID: 15235021, 22850631)

Myriad Genetics, Inc.
Classification: Likely benign for Hereditary diffuse gastric adenocarcinoma. Last evaluated: 2023-03-03. Review status: criteria provided, single submitter. Criteria: Myriad Autosomal Dominant, Autosomal Recessive and X-Linked Classification Criteria (2023). Collection method: clinical testing. Allele origin: unknown.
Comment: This variant is considered likely benign. Homozygosity has been confirmed in one or more individuals. As homozygosity for pathogenic variants in this gene is generally assumed to result in embryonic lethality, this variant is unlikely to be pathogenic.

Department of Pathology and Laboratory Medicine, Sinai Health System
Classification: Uncertain significance for CDH1-related diffuse gastric and lobular breast cancer syndrome. Last evaluated: 2022-03-10. Review status: criteria provided, single submitter. Criteria: ACMG Guidelines, 2015. Collection method: clinical testing. Allele origin: germline. Affected: no.

Counsyl
Classification: Uncertain significance for Hereditary diffuse gastric adenocarcinoma. Last evaluated: 2016-08-02. Review status: no assertion criteria provided. Collection method: clinical testing. Allele origin: unknown. Not counted in ClinVar's aggregate classification.

NM_004360.5(CDH1):c.2282_2284del (p.Gly761del)

Gene: CDH1 (cadherin 1; plus strand). Cytogenetic location: 16q22.1.
Variant type: Deletion.
Coding change: c.2282_2284del on transcript NM_004360.5 (MANE Select); coding-DNA positions 2282 to 2284, 3 bases deleted (GAG; older notation c.2282_2284delGAG).
Protein change: p.Gly761del; deletes glycine 761.
Molecular consequence: inframe deletion.
Genome position (GRCh38, 1-based): chr16:68,828,291-68,828,293, GAG deleted; deleting any 3 consecutive bases within chr16:68,828,290-68,828,293 gives the same sequence; the c. name uses the placement nearest the transcript's 3' end. VCF-style (leftmost placement, unchanged base first): chr16-68828289-CGGA-C. GRCh37 (hg19) VCF-style: chr16-68862192-CGGA-C.
Other names: c.2282_2284del (NM_004360.3, LRG_301t1); c.2099_2101del, p.Gly700del (NM_001317184.2); c.734_736del, p.Gly245del (NM_001317185.2); c.317_319del, p.Gly106del (NM_001317186.2); c.2282_2284delGAG (NM_004360.4, NM_004360.5); short protein forms G761del, G106del, G245del, G700del.
Identifiers: ClinVar variation 239892 (VCV000239892.34), dbSNP rs878854683, ClinGen allele CA10583421.